The following is an entry in ClinVar:

ClinVar aggregate classification (germline): Pathogenic (1 of 4 stars; one submission).

Conditions:
Marfan syndrome (MFS). Also called: Marfan's syndrome; Marfan syndrome, classic; MARFAN SYNDROME, TYPE I; Marfan syndrome type 1; FBN1-Related Marfan Syndrome. Identifiers: Orphanet 284963, Orphanet 558, MedGen C0024796, MONDO:0007947, OMIM 154700.

Submission:

Laboratory of Medical Genetics, National & Kapodistrian University of Athens
Classification: Pathogenic for Marfan syndrome. Last evaluated: 2022-01-31. Review status: criteria provided, single submitter. Criteria: ACMG Guidelines, 2015. Collection method: clinical testing. Allele origin: germline. Affected: yes.
Comment: PVS1, PM2, PP3

NM_000138.5(FBN1):c.5577dup (p.Cys1860fs)

Gene: FBN1 (fibrillin 1; minus strand). Cytogenetic location: 15q21.1.
Variant type: Duplication.
Coding change: c.5577dup on transcript NM_000138.5 (MANE Select); coding-DNA position 5577, one base duplicated (A; older notation c.5577dupA).
Protein change: p.Cys1860fs; shifts the reading frame from cysteine 1860.
Molecular consequence: frameshift variant.
Genome position (GRCh38, 1-based): chr15:48,448,862, T duplicated on the plus strand (A on the coding strand, the reverse complement: FBN1 is on the minus strand). VCF-style (leftmost placement, unchanged base first): chr15-48448861-A-AT. GRCh37 (hg19) VCF-style: chr15-48741058-A-AT.
Other names: c.5577dup, p.Cys1860Metfs (NM_001406716.1); short protein forms C1860fs.
Identifiers: ClinVar variation 1708140 (VCV001708140.1), dbSNP rs2505463433, ClinGen allele CA2580089560.
Genomic context (GRCh38, chr15:48,448,861, plus strand): 5'-AACCAGTGTGGCAAAGGCAATAAAAGCTTCCAACTGTGTCAATGCACTGCCCATGACTGC[A>AT]TATATTGGGGATTTCTTGACATTCATTACGATCTGTAAATAAGAAGCATCTTAAGTGAGA-3'